The following is an entry in ClinVar:

ClinVar aggregate classification (germline): Uncertain significance. Review status: criteria provided, multiple submitters, no conflicts (2 of 4 stars). 3 submissions from 3 submitters: Uncertain significance (3). Last evaluated 2021-11-07.

Conditions:
Mucopolysaccharidosis, MPS-IV-A (MPS4A). Also called: MORQUIO SYNDROME A; MPS IVA; GALACTOSAMINE-6-SULFATASE DEFICIENCY; GALNS DEFICIENCY; MORQUIO A DISEASE; mucopolysaccharidosis type 4A. Identifiers: Orphanet 309297, Orphanet 582, MedGen C0086651, MONDO:0009659, OMIM 253000.

Allele frequency attached by ClinVar (database versions not stated): TOPMed 0.00001.
gnomAD v4.1: 1 of 1,613,830 alleles (0.000062%); highest among the groups gnomAD compares: African/African-American, 0.0013%; no homozygotes.

Submissions (3):

Genome-Nilou Lab
Classification: Uncertain significance for Mucopolysaccharidosis, MPS-IV-A. Last evaluated: 2021-11-07. Review status: criteria provided, single submitter. Criteria: ACMG Guidelines, 2015. Collection method: clinical testing. Allele origin: germline. Affected: no.

Laboratory of Diagnosis and Therapy of Lysosomal Disorders, University of Padova
Classification: Uncertain significance for Mucopolysaccharidosis, MPS-IV-A. Last evaluated: 2021-02-01. Review status: criteria provided, single submitter. Criteria: ACMG Guidelines, 2015. Collection method: curation. Allele origin: germline. Affected: yes.
Comment: Absent from gnomAD v2.1.1 (PM2_moderate); multiple lines of computational evidence support a deleterious effect on the gene (PP3_supporting)

Labcorp Genetics (formerly Invitae), Labcorp
Classification: Uncertain significance for Mucopolysaccharidosis, MPS-IV-A. Last evaluated: 2018-07-25. Review status: criteria provided, single submitter. Criteria: Invitae Variant Classification Sherloc (09022015). Collection method: clinical testing. Allele origin: germline.
Comment: This sequence change replaces alanine with proline at codon 322 of the GALNS protein (p.Ala322Pro). The alanine residue is highly conserved and there is a small physicochemical difference between alanine and proline. This variant is not present in population databases (ExAC no frequency). This variant has not been reported in the literature in individuals with GALNS-related disease. Algorithms developed to predict the effect of missense changes on protein structure and function are either unavailable or do not agree on the potential impact of this missense change (SIFT: "Deleterious"; PolyPhen-2: "Possibly Damaging"; Align-GVGD: "Class C0"). In summary, the available evidence is currently insufficient to determine the role of this variant in disease. Therefore, it has been classified as a Variant of Uncertain Significance.

Literature cited by the submitters: PubMed 33256811 (cited by Laboratory of Diagnosis and Therapy of Lysosomal Disorders, University of Padova); PubMed 34387910 (cited by Laboratory of Diagnosis and Therapy of Lysosomal Disorders, University of Padova).

NM_000512.5(GALNS):c.964G>C (p.Ala322Pro)

Gene: GALNS (galactosamine (N-acetyl)-6-sulfatase; minus strand). Cytogenetic location: 16q24.3.
Variant type: single nucleotide variant.
Coding change: c.964G>C on transcript NM_000512.5 (MANE Select); coding-DNA position 964, G replaced by C.
Protein change: p.Ala322Pro; replaces alanine 322 with proline.
Molecular consequence: missense variant.
Genome position (GRCh38, 1-based): chr16:88,832,036, C>G on the plus strand (G>C on the coding strand, the complement: GALNS is on the minus strand). VCF-style: chr16-88832036-C-G. GRCh37 (hg19) VCF-style: chr16-88898444-C-G.
Other names: c.409G>C, p.Ala137Pro (NM_001323543.2); c.982G>C, p.Ala328Pro (NM_001323544.2); short protein forms A328P, A137P, A322P.
Identifiers: ClinVar variation 645751 (VCV000645751.14), dbSNP rs1597559500, ClinGen allele CA397101146.